The following is an entry in ClinVar:

NM_000088.4(COL1A1):c.1696G>C (p.Gly566Arg)

Gene: COL1A1 (collagen type I alpha 1 chain; minus strand). Cytogenetic location: 17q21.33.
Variant type: single nucleotide variant.
Coding change: c.1696G>C on transcript NM_000088.4 (MANE Select); coding-DNA position 1696, G replaced by C.
Protein change: p.Gly566Arg; replaces glycine 566 with arginine.
Molecular consequence: missense variant.
Genome position (GRCh38, 1-based): chr17:50,194,014, C>G on the plus strand (G>C on the coding strand, the complement: COL1A1 is on the minus strand). VCF-style: chr17-50194014-C-G. GRCh37 (hg19) VCF-style: chr17-48271375-C-G.
Other names: short protein forms G566R.
Identifiers: ClinVar variation 4850701 (VCV004850701.1).

ClinVar aggregate classification (germline): Pathogenic (1 of 4 stars; one submission).

Conditions:
autosomal dominant COL1A1-related osteogenesis imperfecta.

Submission:

Variantyx, Inc.
Classification: Pathogenic for autosomal dominant COL1A1-related osteogenesis imperfecta. Last evaluated: 2025-09-30. Review status: criteria provided, single submitter. Criteria: Variantyx Assertion Criteria 2022. Collection method: clinical testing. Allele origin: de novo. Inheritance: Autosomal dominant inheritance. Affected: yes.
Comment: This is a nonsynonymous variant in the COL1A1 gene (OMIM: 120150). Pathogenic variants in this gene have been associated with autosomal dominant COL1A1-related osteogenesis imperfecta. The alteration alters a Glycine residue in a Gly-X-Y motif in the triple helical domain. Multiple computational algorithms predict a deleterious effect for this variant (REVEL score: 0.989) (PP3), and an alternate nucleotide substitution resulting in the same amino acid change (c.1696G>A) has been previously reported as pathogenic (PMID: 17078022, 12362986) (PS1). This variant is absent from control populations (PM2). Based on the current evidence, this variant is classified as likely pathogenic for autosomal dominant COL1A1-related osteogenesis imperfecta.

Literature cited by the submitters: PubMed 17078022; PubMed 12362986.